The following is an entry in ClinVar:

ClinVar aggregate classification (germline): Pathogenic. Review status: criteria provided, single submitter (1 of 4 stars). 2 submissions from 2 submitters: Pathogenic (1). 1 of the submissions does not count toward it. Last evaluated 2025-12-01.

Conditions:
Hepatic methionine adenosyltransferase deficiency. Also called: MAT I/III DEFICIENCY; Methionine adenosyltransferase deficiency; Isolated Persistent Hypermethioninemia; Deficiency of methionine adenosyltransferase. Identifiers: Orphanet 168598, MedGen C0268621, MeSH C564683, MONDO:0009607, OMIM 250850.

Allele frequency attached by ClinVar (database versions not stated): TOPMed below 0.00001; ExAC 0.00001; gnomAD 0.00001; gnomAD exomes 0.00001 and 0.00002.
gnomAD v4.1: 10 of 1,613,992 alleles (0.00062%); highest among the groups gnomAD compares: Non-Finnish European, 0.00042%; no homozygotes.

Submissions (2):

Labcorp Genetics (formerly Invitae), Labcorp
Classification: Pathogenic for Hepatic methionine adenosyltransferase deficiency. Last evaluated: 2025-12-01. Review status: criteria provided, single submitter. Criteria: Invitae Variant Classification Sherloc (09022015). Collection method: clinical testing. Allele origin: germline.
Comment: This sequence change replaces isoleucine, which is neutral and non-polar, with methionine, which is neutral and non-polar, at codon 322 of the MAT1A protein (p.Ile322Met). This variant is present in population databases (rs118204001, gnomAD 0.004%). This missense change has been observed in individuals with autosomal recessive hypermethioninemia (PMID: 7560086, 10677294). ClinVar contains an entry for this variant (Variation ID: 1202). Invitae Evidence Modeling of protein sequence and biophysical properties (such as structural, functional, and spatial information, amino acid conservation, physicochemical variation, residue mobility, and thermodynamic stability) has been performed for this missense variant. However, the output from this modeling did not meet the statistical confidence thresholds required to predict the impact of this variant on MAT1A protein function. Experimental studies have shown that this missense change affects MAT1A function (PMID: 7560086, 10677294). This variant disrupts the p.Ile322 amino acid residue in MAT1A. Other variant(s) that disrupt this residue have been determined to be pathogenic (PMID: 20675163, 36704196). This suggests that this residue is clinically significant, and that variants that disrupt this residue are likely to be disease-causing. For these reasons, this variant has been classified as Pathogenic.

OMIM
Classification: Pathogenic for METHIONINE ADENOSYLTRANSFERASE I/III DEFICIENCY, AUTOSOMAL RECESSIVE. Last evaluated: 1995-10-01. Review status: no assertion criteria provided. Collection method: literature only. Allele origin: germline. Not counted in ClinVar's aggregate classification.

Literature cited by the submitters: PubMed 7560086 (cited by Labcorp Genetics (formerly Invitae), Labcorp and OMIM); PubMed 10677294 (cited by Labcorp Genetics (formerly Invitae), Labcorp); PubMed 20675163 (cited by Labcorp Genetics (formerly Invitae), Labcorp); PubMed 36704196 (cited by Labcorp Genetics (formerly Invitae), Labcorp); PubMed 7229751 (cited by OMIM).

NM_000429.3(MAT1A):c.966T>G (p.Ile322Met)

Gene: MAT1A (methionine adenosyltransferase 1A; minus strand). Cytogenetic location: 10q22.3.
Variant type: single nucleotide variant.
Coding change: c.966T>G on transcript NM_000429.3 (MANE Select); coding-DNA position 966, T replaced by G.
Protein change: p.Ile322Met; replaces isoleucine 322 with methionine.
Molecular consequence: missense variant.
Genome position (GRCh38, 1-based): chr10:80,274,639, A>C on the plus strand (T>G on the coding strand, the complement: MAT1A is on the minus strand). VCF-style: chr10-80274639-A-C. GRCh37 (hg19) VCF-style: chr10-82034395-A-C.
Other names: short protein forms I322M.
Identifiers: ClinVar variation 1202 (VCV000001202.9), dbSNP rs118204001, ClinGen allele CA114836.
Genomic context (GRCh38, chr10:80,274,639, plus strand): 5'-CTCTGTCTTCTGAGAGGTTCCGTAGGTGAAGATGGAAATGGACAGCGGCTCGGCCACACC[A>C]ATGGCATAGGAAACCTTCCAGCAAGGTGCAGCGTCAGGGATTGAAGCCTCTGTGTGGGCC-3'
Protein context (NP_000420.1, residues 312-332): RRVLVQVSYA[Ile322Met]GVAEPLSISI